The following is an entry in ClinVar:

NM_000426.4(LAMA2):c.2520dup (p.Gly841fs)

Gene: LAMA2 (laminin subunit alpha 2; plus strand). Cytogenetic location: 6q22.33.
Variant type: Duplication.
Coding change: c.2520dup on transcript NM_000426.4 (MANE Select); coding-DNA position 2520, one base duplicated (A; older notation c.2520dupA).
Protein change: p.Gly841fs; shifts the reading frame from glycine 841.
Molecular consequence: frameshift variant.
Genome position (GRCh38, 1-based): chr6:129,280,130, A duplicated. VCF-style (leftmost placement, unchanged base first): chr6-129280129-C-CA. GRCh37 (hg19) VCF-style: chr6-129601274-C-CA.
Other names: c.2520dup, p.Gly841fs (NM_001079823.2); short protein forms G841fs.
Identifiers: ClinVar variation 1069413 (VCV001069413.7), dbSNP rs2114391108, ClinGen allele CA2499218067.

ClinVar aggregate classification (germline): Pathogenic (1 of 4 stars; one submission).

Conditions:
LAMA2-related muscular dystrophy (LAMA2-RD). Also called: Laminin alpha 2-related dystrophy. Identifiers: MedGen C5679788, MONDO:0100228.

Submission:

Labcorp Genetics (formerly Invitae), Labcorp
Classification: Pathogenic for LAMA2-related muscular dystrophy. Last evaluated: 2020-03-07. Review status: criteria provided, single submitter. Criteria: Invitae Variant Classification Sherloc (09022015). Collection method: clinical testing. Allele origin: germline.
Comment: For these reasons, this variant has been classified as Pathogenic. Loss-of-function variants in LAMA2 are known to be pathogenic (PMID: 18700894). This variant has not been reported in the literature in individuals with LAMA2-related conditions. This variant is not present in population databases (ExAC no frequency). This sequence change creates a premature translational stop signal (p.Gly841Argfs*5) in the LAMA2 gene. It is expected to result in an absent or disrupted protein product.

Literature cited by the submitters: PubMed 18700894.